The following is an entry in ClinVar:

ClinVar aggregate classification (germline): Uncertain significance (1 of 4 stars; one submission).

Submission:

Labcorp Genetics (formerly Invitae), Labcorp
Classification: Uncertain significance. Last evaluated: 2021-10-14. Review status: criteria provided, single submitter. Criteria: Invitae Variant Classification Sherloc (09022015). Collection method: clinical testing. Allele origin: germline.
Comment: This sequence change replaces glycine with aspartic acid at codon 1634 of the COL7A1 protein (p.Gly1634Asp). The glycine residue is highly conserved and there is a moderate physicochemical difference between glycine and aspartic acid. This variant is not present in population databases (ExAC no frequency). This missense change has been observed in individual(s) with COL7A1-related conditions (Invitae). Algorithms developed to predict the effect of missense changes on protein structure and function are either unavailable or do not agree on the potential impact of this missense change (SIFT: "Deleterious"; PolyPhen-2: "Not Available"; Align-GVGD: "Class C0"). This variant disrupts the triple helix domain of COL7A1. Glycine residues within the Gly-Xaa-Yaa repeats of the triple helix domain are required for the structure and stability of fibrillar collagens (PMID: 7695699, 8218237, 19344236), and variants at these glycine residues in COL7A1 are more frequently observed in individuals with disease than in the general population (PMID: 22058051). However, the clinical significance of this observation remains uncertain since only a limited number of affected individuals have been described to date. In summary, the available evidence is currently insufficient to determine the role of this variant in disease. Therefore, it has been classified as a Variant of Uncertain Significance.

Literature cited by the submitters: PubMed 7695699; PubMed 8218237; PubMed 19344236; PubMed 22058051.

NM_000094.4(COL7A1):c.4901G>A (p.Gly1634Asp)

Gene: COL7A1 (collagen type VII alpha 1 chain; minus strand). Cytogenetic location: 3p21.31.
Variant type: single nucleotide variant.
Coding change: c.4901G>A on transcript NM_000094.4 (MANE Select); coding-DNA position 4901, G replaced by A.
Protein change: p.Gly1634Asp; replaces glycine 1634 with aspartic acid.
Molecular consequence: missense variant.
Genome position (GRCh38, 1-based): chr3:48,581,156, C>T on the plus strand (G>A on the coding strand, the complement: COL7A1 is on the minus strand). VCF-style: chr3-48581156-C-T. GRCh37 (hg19) VCF-style: chr3-48618589-C-T.
Other names: short protein forms G1634D.
Identifiers: ClinVar variation 1362088 (VCV001362088.5), dbSNP rs1327829674, ClinGen allele CA352682647.
Genomic context (GRCh38, chr3:48,581,156, plus strand): 5'-GAAACCACAGTGGGAAGGAGTCTCACCGGAGGACCCTCGTCACCTTTCTCTCCAACTTCA[C>T]CCTGTGAAACATGAGAGTCAGCCCTGGTTCCAAGAACCCCCATGATGCTGGCAACAGCCC-3'
Protein context (NP_000085.1, residues 1624-1644): PGPVGPRGRD[Gly1634Asp]EVGEKGDEGP